The following is an entry in ClinVar:

ClinVar aggregate classification (germline): Uncertain significance (1 of 4 stars; one submission).

Conditions:
Pierpont syndrome (PRPTS). Identifiers: Orphanet 487825, MedGen C1865644, MONDO:0011213, OMIM 602342.

Submission:

Labcorp Genetics (formerly Invitae), Labcorp
Classification: Uncertain significance for Pierpont syndrome. Last evaluated: 2025-04-26. Review status: criteria provided, single submitter. Criteria: Invitae Variant Classification Sherloc (09022015). Collection method: clinical testing. Allele origin: germline.
Comment: This sequence change replaces threonine, which is neutral and polar, with isoleucine, which is neutral and non-polar, at codon 27 of the TBL1XR1 protein (p.Thr27Ile). This variant is not present in population databases (gnomAD no frequency). This variant has not been reported in the literature in individuals affected with TBL1XR1-related conditions. Invitae Evidence Modeling of protein sequence and biophysical properties (such as structural, functional, and spatial information, amino acid conservation, physicochemical variation, residue mobility, and thermodynamic stability) indicates that this missense variant is expected to disrupt TBL1XR1 protein function with a positive predictive value of 95%. In summary, the available evidence is currently insufficient to determine the role of this variant in disease. Therefore, it has been classified as a Variant of Uncertain Significance.

NM_024665.7(TBL1XR1):c.80C>T (p.Thr27Ile)

Gene: TBL1XR1 (TBL1X/Y related 1; minus strand). Cytogenetic location: 3q26.32.
Variant type: single nucleotide variant.
Coding change: c.80C>T on transcript NM_024665.7 (MANE Select); coding-DNA position 80, C replaced by T.
Protein change: p.Thr27Ile; replaces threonine 27 with isoleucine.
Molecular consequence: missense variant. On other transcripts: 5 prime UTR variant (2).
Genome position (GRCh38, 1-based): chr3:177,053,897, G>A on the plus strand (C>T on the coding strand, the complement: TBL1XR1 is on the minus strand). VCF-style: chr3-177053897-G-A. GRCh37 (hg19) VCF-style: chr3-176771685-G-A.
Other names: c.80C>T, p.Thr27Ile (NM_001321193.3, NM_001321194.3, NM_001374327.1 and 2 more transcripts); c.-182C>T (NM_001321195.3, NM_001374330.1); short protein forms T27I.
Identifiers: ClinVar variation 4801772 (VCV004801772.1).